The following is an entry in ClinVar:

ClinVar aggregate classification (germline): Uncertain significance. Review status: criteria provided, multiple submitters, no conflicts (2 of 4 stars). 4 submissions from 4 submitters: Uncertain significance (4). Last evaluated 2024-07-17.

Conditions:
Classic or attenuated familial adenomatous polyposis. Identifiers: MedGen CN372698, MONDO:0021057.
Hereditary cancer-predisposing syndrome. Also called: Neoplastic Syndromes, Hereditary; Tumor predisposition; Hereditary neoplastic syndrome; Hereditary Cancer Syndrome. Identifiers: Orphanet 140162, MedGen C0027672, MeSH D009386, MONDO:0015356.
Familial adenomatous polyposis 1 (FAP1). Also called: POLYPOSIS, ADENOMATOUS INTESTINAL; FAMILIAL ADENOMATOUS POLYPOSIS 1, ATTENUATED. Identifiers: MedGen C2713442, MONDO:0021056, OMIM 175100. Disease mechanism: loss of function.

Submissions (4):

Ambry Genetics
Classification: Uncertain significance for Hereditary cancer-predisposing syndrome. Last evaluated: 2024-07-17. Review status: criteria provided, single submitter. Criteria: Ambry Variant Classification Scheme 2023. Collection method: clinical testing. Allele origin: germline.
Comment: The p.S748N variant (also known as c.2243G>A), located in coding exon 15 of the APC gene, results from a G to A substitution at nucleotide position 2243. The serine at codon 748 is replaced by asparagine, an amino acid with highly similar properties. This amino acid position is conserved. In addition, in silico predictors for this gene do not accurately predict pathogenicity. Based on the available evidence, the clinical significance of this variant remains unclear.

Color Diagnostics, LLC DBA Color Health
Classification: Uncertain significance for Hereditary cancer-predisposing syndrome. Last evaluated: 2024-03-06. Review status: criteria provided, single submitter. Criteria: ACMG Guidelines, 2015. Collection method: clinical testing. Allele origin: germline.
Comment: This missense variant replaces serine with asparagine at codon 748 of the APC protein. Computational prediction suggests that this variant may not impact protein structure and function (internally defined REVEL score threshold <= 0.5, PMID: 27666373). To our knowledge, functional studies have not been reported for this variant. This variant has not been reported in individuals affected with APC-related disorders in the literature. This variant has not been identified in the general population by the Genome Aggregation Database (gnomAD). The available evidence is insufficient to determine the role of this variant in disease conclusively. Therefore, this variant is classified as a Variant of Uncertain Significance.

All of Us Research Program, National Institutes of Health
Classification: Uncertain significance for Classic or attenuated familial adenomatous polyposis. Last evaluated: 2023-06-26. Review status: criteria provided, single submitter. Criteria: ACMG Guidelines, 2015. Collection method: clinical testing. Allele origin: germline. Inheritance: Autosomal dominant inheritance. Observed: 1 variant allele, 1 heterozygote.
Comment: This missense variant replaces serine with asparagine at codon 748 of the APC protein. Computational prediction suggests that this variant may not impact protein structure and function (internally defined REVEL score threshold <= 0.5, PMID: 27666373). To our knowledge, functional studies have not been reported for this variant. This variant has not been reported in individuals affected with APC-related disorders in the literature. This variant has not been identified in the general population by the Genome Aggregation Database (gnomAD). The available evidence is insufficient to determine the role of this variant in disease conclusively. Therefore, this variant is classified as a Variant of Uncertain Significance.

This study involves interpretation of variants in research participants for the purpose of population health screening. Participant phenotype was not available at the time of variant classification. Additional details can be found in publication PMID: 35346344, PMCID: PMC8962531

Labcorp Genetics (formerly Invitae), Labcorp
Classification: Uncertain significance for Familial adenomatous polyposis 1. Last evaluated: 2022-07-16. Review status: criteria provided, single submitter. Criteria: Invitae Variant Classification Sherloc (09022015). Collection method: clinical testing. Allele origin: germline.
Comment: This sequence change replaces serine, which is neutral and polar, with asparagine, which is neutral and polar, at codon 748 of the APC protein (p.Ser748Asn). This variant is not present in population databases (gnomAD no frequency). This variant has not been reported in the literature in individuals affected with APC-related conditions. ClinVar contains an entry for this variant (Variation ID: 627919). Algorithms developed to predict the effect of missense changes on protein structure and function are either unavailable or do not agree on the potential impact of this missense change (SIFT: "Deleterious"; PolyPhen-2: "Benign"; Align-GVGD: "Class C0"). In summary, the available evidence is currently insufficient to determine the role of this variant in disease. Therefore, it has been classified as a Variant of Uncertain Significance.

NM_000038.6(APC):c.2243G>A (p.Ser748Asn)

Gene: APC (APC regulator of Wnt signaling pathway; plus strand). Cytogenetic location: 5q22.2.
Variant type: single nucleotide variant.
Coding change: c.2243G>A on transcript NM_000038.6 (MANE Select); coding-DNA position 2243, G replaced by A.
Protein change: p.Ser748Asn; replaces serine 748 with asparagine.
Molecular consequence: missense variant.
Genome position (GRCh38, 1-based): chr5:112,837,837, G>A. VCF-style: chr5-112837837-G-A. GRCh37 (hg19) VCF-style: chr5-112173534-G-A.
Other names: c.2243G>A, p.Ser748Asn (NM_001127510.3, NM_001354895.2); c.2189G>A, p.Ser730Asn (NM_001127511.3); c.2297G>A, p.Ser766Asn (NM_001354896.2); c.2273G>A, p.Ser758Asn (NM_001354897.2); c.2168G>A, p.Ser723Asn (NM_001354898.2); c.2159G>A, p.Ser720Asn (NM_001354899.2); c.2120G>A, p.Ser707Asn (NM_001354900.2); c.2066G>A, p.Ser689Asn (NM_001354901.2); and 5 more; short protein forms S748N, S730N, S588N, S657N, S720N, S647N, S723N, S758N.
Identifiers: ClinVar variation 627919 (VCV000627919.56), dbSNP rs1561575700, ClinGen allele CA16026245.